The following is an entry in ClinVar:

ClinVar aggregate classification (germline): Benign/Likely benign. Review status: criteria provided, multiple submitters, no conflicts (2 of 4 stars). 14 submissions from 14 submitters: Benign (5); Likely benign (4). 5 of the submissions do not count toward it. Last evaluated 2026-09-01.

Conditions:
Postaxial polydactyly-anterior pituitary anomalies-facial dysmorphism syndrome. Also called: Culler-Jones syndrome. Identifiers: Orphanet 420584, MedGen C4014479, MONDO:0014369, OMIM 615849.
Holoprosencephaly 9 (HPE9). Also called: HOLOPROSENCEPHALY WITH MICROPHTHALMIA AND FIRST BRANCHIAL ARCH ANOMALIES; PITUITARY ANOMALIES WITH HOLOPROSENCEPHALY-LIKE FEATURES. Identifiers: Orphanet 2162, MedGen C1835819, MONDO:0012563, OMIM 610829.
Partial androgen insensitivity syndrome (PAIS). Also called: Pseudohermaphroditism, Incomplete male, type I; Reifenstein syndrome, partial; Androgen resistance syndrome, partial; Type I familial incomplete male pseudohermaphroditism; Partial Androgen Insensitivity Syndrome (PAIS); Gynecomastia, familial. Identifiers: Orphanet 90797, MedGen C0268301, MONDO:0010720, OMIM 312300.

Allele frequency attached by ClinVar (database versions not stated): 1000 Genomes Project 0.00459; 1000 Genomes Project 30x 0.00484; TOPMed 0.00910; gnomAD 0.00964; ESP Exome Variant Server 0.01092.
gnomAD v4.1: 20,112 of 1,613,798 alleles (1.2%); highest among the groups gnomAD compares: Non-Finnish European, 1.5%; 153 homozygotes.

Submissions (14):

CeGaT Center for Human Genetics Tuebingen
Classification: Benign. Last evaluated: 2026-09-01. Review status: criteria provided, single submitter. Criteria: CeGaT Center For Human Genetics Tuebingen Variant Classification Criteria Version 2. Collection method: clinical testing. Allele origin: germline. Affected: yes. Observed: 24 variant alleles.
Comment: GLI2: BS1, BS2

Women's Health and Genetics/Laboratory Corporation of America, LabCorp
Classification: Likely benign. Last evaluated: 2026-05-11. Review status: criteria provided, single submitter. Criteria: LabCorp Variant Classification Summary - May 2015. Collection method: clinical testing. Allele origin: germline.

Labcorp Genetics (formerly Invitae), Labcorp
Classification: Benign for Postaxial polydactyly-anterior pituitary anomalies-facial dysmorphism syndrome; Holoprosencephaly 9. Last evaluated: 2026-01-27. Review status: criteria provided, single submitter. Criteria: Invitae Variant Classification Sherloc (09022015). Collection method: clinical testing. Allele origin: germline.

Molecular Genetics, Royal Melbourne Hospital
Classification: Benign for Partial androgen insensitivity syndrome. Last evaluated: 2023-05-04. Review status: criteria provided, single submitter. Criteria: ACMG Guidelines, 2015. Collection method: clinical testing. Allele origin: germline. Affected: yes.
Comment: European Non-Finnish population allele frequency is 1.398% (rs114814747, 1841/128804 alleles, 11 homozygotes in gnomAD v2.1). Based on the classification scheme RMH Modified ACMG/AMP Guidelines v1.3.2, this variant is classified as BENIGN. Following criteria are met: BA1

GeneDx
Classification: Benign. Last evaluated: 2020-07-20. Review status: criteria provided, single submitter. Criteria: GeneDx Variant Classification Process June 2021. Collection method: clinical testing. Allele origin: germline. Affected: yes.
Comment: This variant is associated with the following publications: (PMID: 29165578, 21204792, 22967285)

Illumina Laboratory Services, Illumina
Classification: Likely benign for Holoprosencephaly 9. Last evaluated: 2017-04-27. Review status: criteria provided, single submitter. Criteria: ICSL Variant Classification Criteria 13 December 2019. Collection method: clinical testing. Allele origin: germline.
Comment: This variant was observed as part of a predisposition screen in an ostensibly healthy population. A literature search was performed for the gene, cDNA change, and amino acid change (where applicable). Publications were found based on this search. The evidence from the literature, in combination with allele frequency data from public databases where available, was sufficient to determine this variant is unlikely to cause disease. Therefore, this variant is classified as likely benign.

Eurofins Ntd Llc (ga)
Classification: Benign. Last evaluated: 2015-02-17. Review status: criteria provided, single submitter. Criteria: EGL Classification Definitions 2015. Collection method: clinical testing. Allele origin: germline. Observed: 1 variant allele, 1 heterozygote.

Breakthrough Genomics
Classification: Likely benign. Review status: criteria provided, single submitter. Criteria: ACMG Guidelines, 2015. Collection method: not provided. Allele origin: germline. Inheritance: Autosomal dominant inheritance. Affected: yes.

PreventionGenetics, part of Exact Sciences
Classification: Likely benign. Review status: criteria provided, single submitter. Criteria: ACMG Guidelines, 2015. Collection method: clinical testing. Allele origin: germline.

OMIM
Classification: Pathogenic for HOLOPROSENCEPHALY 9. Last evaluated: 2012-01-01. Review status: no assertion criteria provided. Collection method: literature only. Allele origin: germline. Not counted in ClinVar's aggregate classification.

Clinical Genetics, Academic Medical Center
Classification: Likely benign. Review status: no assertion criteria provided. Collection method: clinical testing. Allele origin: germline. Affected: yes. Study: VKGL Data-share Consensus. Not counted in ClinVar's aggregate classification.

Diagnostic Laboratory, Department of Genetics, University Medical Center Groningen
Classification: Benign for Holoprosencephaly 9. Review status: no assertion criteria provided. Collection method: clinical testing. Allele origin: germline. Affected: yes. Study: VKGL Data-share Consensus. Not counted in ClinVar's aggregate classification.

Genome Diagnostics Laboratory, University Medical Center Utrecht
Classification: Likely benign. Review status: no assertion criteria provided. Collection method: clinical testing. Allele origin: germline. Affected: yes. Study: VKGL Data-share Consensus. Not counted in ClinVar's aggregate classification.

Laboratory of Diagnostic Genome Analysis, Leiden University Medical Center (LUMC)
Classification: Likely benign. Review status: no assertion criteria provided. Collection method: clinical testing. Allele origin: germline. Affected: yes. Study: VKGL Data-share Consensus. Not counted in ClinVar's aggregate classification.

Literature cited by the submitters: PubMed 22967285 (cited by Illumina Laboratory Services, Illumina); PubMed 19223936 (cited by Illumina Laboratory Services, Illumina); PubMed 21204792 (cited by Illumina Laboratory Services, Illumina and OMIM); PubMed 23408573 (cited by Illumina Laboratory Services, Illumina).

NM_001374353.1(GLI2):c.4507G>A (p.Asp1503Asn)

Gene: GLI2 (GLI family zinc finger 2; plus strand). Cytogenetic location: 2q14.2.
Variant type: single nucleotide variant.
Coding change: c.4507G>A on transcript NM_001374353.1 (MANE Select); coding-DNA position 4507, G replaced by A.
Protein change: p.Asp1503Asn; replaces aspartic acid 1503 with asparagine.
Molecular consequence: missense variant.
Genome position (GRCh38, 1-based): chr2:120,990,472, G>A. VCF-style: chr2-120990472-G-A. GRCh37 (hg19) VCF-style: chr2-121748048-G-A.
Other names: c.4558G>A, p.Asp1520Asn (NM_001371271.1, NM_005270.5); c.4132G>A, p.Asp1378Asn (NM_001374354.1); short protein forms D1520N, D1378N, D1503N.
Identifiers: ClinVar variation 37084 (VCV000037084.49), dbSNP rs114814747, ClinGen allele CA201056.
Genomic context (GRCh38, chr2:120,990,472, plus strand): 5'-GTGGACTCCCAGCTCCTGGAGGCCCCCCAGATTGACTTCGATGCCATCATGGATGATGGC[G>A]ATCACTCGAGTTTGTTCTCGGGTGCTCTGAGCCCCAGCCTCCTCCACAGCCTCTCCCAGA-3'
Protein context (NP_001361282.1, residues 1493-1513): IDFDAIMDDG[Asp1503Asn]HSSLFSGALS